The following is an entry in ClinVar:

NM_012452.3(TNFRSF13B):c.182C>T (p.Thr61Ile)

Gene: TNFRSF13B (TNF receptor superfamily member 13B; minus strand). Cytogenetic location: 17p11.2.
Variant type: single nucleotide variant.
Coding change: c.182C>T on transcript NM_012452.3 (MANE Select); coding-DNA position 182, C replaced by T.
Protein change: p.Thr61Ile; replaces threonine 61 with isoleucine.
Molecular consequence: missense variant.
Genome position (GRCh38, 1-based): chr17:16,952,463, G>A on the plus strand (C>T on the coding strand, the complement: TNFRSF13B is on the minus strand). VCF-style: chr17-16952463-G-A. GRCh37 (hg19) VCF-style: chr17-16855777-G-A.
Other names: short protein forms T61I.
Identifiers: ClinVar variation 1303719 (VCV001303719.4), dbSNP rs752511316, ClinGen allele CA8414094.

ClinVar aggregate classification (germline): Uncertain significance. Review status: criteria provided, multiple submitters, no conflicts (2 of 4 stars). 2 submissions from 2 submitters: Uncertain significance (2). Last evaluated 2021-10-14.

Conditions:
Immunodeficiency, common variable, 2 (CVID2). Also called: ANTIBODY DEFICIENCY DUE TO TACI DEFECT; HYPOGAMMAGLOBULINEMIA DUE TO TACI DEFICIENCY. Identifiers: Orphanet 1572, MedGen C3150354, MONDO:0009413, OMIM 240500.

Allele frequency attached by ClinVar (database versions not stated): gnomAD exomes 0.00001; TOPMed below 0.00001; ExAC 0.00001.
gnomAD v4.1: 7 of 1,614,148 alleles (0.00043%); highest among the groups gnomAD compares: African/African-American, 0.0013%; no homozygotes.

Submissions (2):

Labcorp Genetics (formerly Invitae), Labcorp
Classification: Uncertain significance for Immunodeficiency, common variable, 2. Last evaluated: 2021-10-14. Review status: criteria provided, single submitter. Criteria: Invitae Variant Classification Sherloc (09022015). Collection method: clinical testing. Allele origin: germline.
Comment: This sequence change replaces threonine with isoleucine at codon 61 of the TNFRSF13B protein (p.Thr61Ile). The threonine residue is moderately conserved and there is a moderate physicochemical difference between threonine and isoleucine. This variant is present in population databases (rs752511316, ExAC 0.001%). This variant has not been reported in the literature in individuals affected with TNFRSF13B-related conditions. Algorithms developed to predict the effect of missense changes on protein structure and function output the following: SIFT: "Tolerated"; PolyPhen-2: "Probably Damaging"; Align-GVGD: "Class C0". The isoleucine amino acid residue is found in multiple mammalian species, which suggests that this missense change does not adversely affect protein function. In summary, the available evidence is currently insufficient to determine the role of this variant in disease. Therefore, it has been classified as a Variant of Uncertain Significance.

GeneDx
Classification: Uncertain significance. Last evaluated: 2019-11-27. Review status: criteria provided, single submitter. Criteria: GeneDx Variant Classification Process June 2021. Collection method: clinical testing. Allele origin: germline. Affected: yes.
Comment: In silico analysis, which includes protein predictors and evolutionary conservation, supports a deleterious effect; Has not been previously published as pathogenic or benign to our knowledge